The following is an entry in ClinVar:

ClinVar aggregate classification (germline): Uncertain significance. Review status: criteria provided, multiple submitters, no conflicts (2 of 4 stars). 2 submissions from 2 submitters: Uncertain significance (2). Last evaluated 2025-06-17.

Conditions:
Inborn genetic diseases. Identifiers: MedGen C0950123, MeSH D030342.
Granulomatous disease, chronic, autosomal recessive, cytochrome b-positive, type 2. Also called: CGD, AUTOSOMAL RECESSIVE CYTOCHROME b-POSITIVE, TYPE II; GRANULOMATOUS DISEASE, CHRONIC, DUE TO NCF2 DEFICIENCY; Chronic Granulomatous Disease, Autosomal Recessive, Cytochrome b-Positive, Type II; GRANULOMATOUS DISEASE, CHRONIC, AUTOSOMAL RECESSIVE, 2; Chronic granulomatous disease due to deficiency of NCF-2. Identifiers: Orphanet 379, MedGen C1856245, MONDO:0009310, OMIM 233710.

Allele frequency attached by ClinVar (database versions not stated): gnomAD 0.00002; gnomAD exomes 0.00003 and 0.00016; TOPMed 0.00008; ExAC 0.00013.
gnomAD v4.1: 49 of 1,614,068 alleles (0.003%); highest among the groups gnomAD compares: Admixed American, 0.08%; no homozygotes.

Submissions (2):

Ambry Genetics
Classification: Uncertain significance for Inborn genetic diseases. Last evaluated: 2025-06-17. Review status: criteria provided, single submitter. Criteria: Ambry Variant Classification Scheme 2023. Collection method: clinical testing. Allele origin: germline.

Labcorp Genetics (formerly Invitae), Labcorp
Classification: Uncertain significance for Granulomatous disease, chronic, autosomal recessive, cytochrome b-positive, type 2. Last evaluated: 2025-02-03. Review status: criteria provided, single submitter. Criteria: Invitae Variant Classification Sherloc (09022015). Collection method: clinical testing. Allele origin: germline.
Comment: This sequence change replaces alanine, which is neutral and non-polar, with threonine, which is neutral and polar, at codon 17 of the NCF2 protein (p.Ala17Thr). This variant is present in population databases (rs758057222, gnomAD 0.1%). This variant has not been reported in the literature in individuals affected with NCF2-related conditions. ClinVar contains an entry for this variant (Variation ID: 534653). Invitae Evidence Modeling of protein sequence and biophysical properties (such as structural, functional, and spatial information, amino acid conservation, physicochemical variation, residue mobility, and thermodynamic stability) indicates that this missense variant is not expected to disrupt NCF2 protein function with a negative predictive value of 80%. In summary, the available evidence is currently insufficient to determine the role of this variant in disease. Therefore, it has been classified as a Variant of Uncertain Significance.

NM_000433.4(NCF2):c.49G>A (p.Ala17Thr)

Gene: NCF2 (neutrophil cytosolic factor 2; minus strand). Cytogenetic location: 1q25.3.
Variant type: single nucleotide variant.
Coding change: c.49G>A on transcript NM_000433.4 (MANE Select); coding-DNA position 49, G replaced by A.
Protein change: p.Ala17Thr; replaces alanine 17 with threonine.
Molecular consequence: missense variant.
Genome position (GRCh38, 1-based): chr1:183,590,281, C>T on the plus strand (G>A on the coding strand, the complement: NCF2 is on the minus strand). VCF-style: chr1-183590281-C-T. GRCh37 (hg19) VCF-style: chr1-183559416-C-T.
Other names: c.49G>A, p.Ala17Thr (NM_001127651.3, NM_001190789.2, NM_001190794.2); short protein forms A17T.
Identifiers: ClinVar variation 534653 (VCV000534653.9), dbSNP rs758057222, ClinGen allele CA1285071.